The following is an entry in ClinVar:

NM_000043.6(FAS):c.232del (p.Asp78fs)

Gene: FAS (Fas cell surface death receptor; plus strand). Cytogenetic location: 10q23.31.
Variant type: Deletion.
Coding change: c.232del on transcript NM_000043.6 (MANE Select); coding-DNA position 232, one base deleted (G; older notation c.232delG).
Protein change: p.Asp78fs; shifts the reading frame from aspartic acid 78.
Molecular consequence: frameshift variant. On other transcripts: non-coding transcript variant (4).
Genome position (GRCh38, 1-based): chr10:89,007,735, G deleted; the last of 4 consecutive G bases (chr10:89,007,732-89,007,735); deleting any one gives the same sequence. VCF-style (leftmost placement, unchanged base first): chr10-89007731-TG-T. GRCh37 (hg19) VCF-style: chr10-90767488-TG-T.
Other names: c.232del, p.Asp78fs (NM_001320619.2, NM_152871.4, NM_152872.4); short protein forms D78fs.
Identifiers: ClinVar variation 16497 (VCV000016497.2), dbSNP rs606231361, ClinGen allele CA212967.
Genomic context (GRCh38, chr10:89,007,731, plus strand): 5'-AAACACTTGCTCCTTTTTTCCTTGGGCAGGTGAAAGGAAAGCTAGGGACTGCACAGTCAA[TG>T]GGGATGAACCAGACTGCGTGCCCTGCCAAGAAGGGAAGGAGTACACAGACAAAGCCCATT-3'

ClinVar aggregate classification (germline): Pathogenic. Review status: criteria provided, single submitter (1 of 4 stars). 2 submissions from 2 submitters: Pathogenic (1). 1 of the submissions does not count toward it. Last evaluated 2026-08-26.

Conditions:
Autoimmune lymphoproliferative syndrome with defective apoptosis.
FAS-related autoimmune lymphoproliferative syndrome. Also called: AUTOIMMUNE LYMPHOPROLIFERATIVE SYNDROME, TYPE IA, AUTOSOMAL RECESSIVE; AUTOIMMUNE LYMPHOPROLIFERATIVE SYNDROME, TYPE IA. Identifiers: MedGen C1866119, MONDO:1060194.

Submissions (2):

Genetics Laboratory, Great Ormond Street Hospital NHS Foundation Trust, North Thames Genomic Laboratory Hub
Classification: Pathogenic for Autoimmune lymphoproliferative syndrome with defective apoptosis. Last evaluated: 2026-08-26. Review status: criteria provided, single submitter. Criteria: ACGS Best Practice Guidelines for Variant Classification in Rare Disease 2024 v1.2. Collection method: clinical testing. Allele origin: germline. Affected: yes.
Comment: PM2_moderate, PVS1_very-strong

OMIM
Classification: Pathogenic for AUTOIMMUNE LYMPHOPROLIFERATIVE SYNDROME, TYPE IA. Last evaluated: 1995-06-16. Review status: no assertion criteria provided. Collection method: literature only. Allele origin: germline. Not counted in ClinVar's aggregate classification.

Literature cited by the submitters: PubMed 7540117 (cited by OMIM).